The following is an entry in ClinVar:

NM_017534.6(MYH2):c.919A>G (p.Thr307Ala)

Genes: MYH2 (myosin heavy chain 2; minus strand), MYHAS (myosin heavy chain gene cluster antisense RNA; plus strand). Cytogenetic location: 17p13.1.
Variant type: single nucleotide variant.
Coding change: c.919A>G on transcript NM_017534.6 (MANE Select); coding-DNA position 919, A replaced by G.
Protein change: p.Thr307Ala; replaces threonine 307 with alanine.
Molecular consequence: missense variant.
Genome position (GRCh38, 1-based): chr17:10,540,683, T>C on the plus strand (A>G on the coding strand, the complement: MYH2 is on the minus strand). VCF-style: chr17-10540683-T-C. GRCh37 (hg19) VCF-style: chr17-10444000-T-C.
Other names: c.919A>G, p.Thr307Ala (NM_001100112.2); short protein forms T307A.
Identifiers: ClinVar variation 2115593 (VCV002115593.4), dbSNP rs2508461325, ClinGen allele CA398164561.

ClinVar aggregate classification (germline): Uncertain significance (1 of 4 stars; one submission).

Conditions:
Myopathy, proximal, and ophthalmoplegia (CMYO6). Also called: INCLUSION BODY MYOPATHY 3, AUTOSOMAL DOMINANT; MYOPATHY WITH CONGENITAL JOINT CONTRACTURES, OPHTHALMOPLEGIA, AND RIMMED VACUOLES; CONGENITAL MYOPATHY 6 WITH OPHTHALMOPLEGIA. Identifiers: Orphanet 363677, Orphanet 79091, MedGen C1854106, MONDO:0011577, OMIM 605637.

Allele frequency attached by ClinVar (database versions not stated): gnomAD exomes below 0.00001.
gnomAD v4.1: 1 of 1,608,360 alleles (0.000062%); highest among the groups gnomAD compares: Non-Finnish European, 0.000085%; no homozygotes.

Submission:

Labcorp Genetics (formerly Invitae), Labcorp
Classification: Uncertain significance for Myopathy, proximal, and ophthalmoplegia. Last evaluated: 2024-05-07. Review status: criteria provided, single submitter. Criteria: Invitae Variant Classification Sherloc (09022015). Collection method: clinical testing. Allele origin: germline.
Comment: This sequence change replaces threonine, which is neutral and polar, with alanine, which is neutral and non-polar, at codon 307 of the MYH2 protein (p.Thr307Ala). This variant is not present in population databases (gnomAD no frequency). This missense change has been observed in individual(s) with clinical features of autosomal recessive MYH2-related conditions (Invitae). ClinVar contains an entry for this variant (Variation ID: 2115593). Advanced modeling of protein sequence and biophysical properties (such as structural, functional, and spatial information, amino acid conservation, physicochemical variation, residue mobility, and thermodynamic stability) has been performed at Invitae for this missense variant, however the output from this modeling did not meet the statistical confidence thresholds required to predict the impact of this variant on MYH2 protein function. In summary, the available evidence is currently insufficient to determine the role of this variant in disease. Therefore, it has been classified as a Variant of Uncertain Significance.